The following is an entry in ClinVar:

ClinVar aggregate classification (germline): Conflicting classifications of pathogenicity. Review status: criteria provided, conflicting classifications (1 of 4 stars). 2 submissions from 2 submitters: Likely pathogenic (1); Uncertain significance (1). Last evaluated 2023-03-09.

Conditions:
Nystagmus 1, congenital, X-linked. Also called: NYSTAGMUS, INFANTILE PERIODIC ALTERNATING, X-LINKED; FRMD7-Related Infantile Nystagmus; NYSTAGMUS 1, INFANTILE, X-LINKED; NYSTAGMUS, CONGENITAL MOTOR, 1; NYSTAGMUS, INFANTILE IDIOPATHIC. Identifiers: MedGen C1839580, MONDO:0010693, OMIM 310700.

Submissions (2):

Greenwood Genetic Center Diagnostic Laboratories, Greenwood Genetic Center
Classification: Likely pathogenic for Nystagmus 1, congenital, X-linked. Last evaluated: 2023-03-09. Review status: criteria provided, single submitter. Criteria: ACMG Guidelines, 2015. Collection method: clinical testing. Allele origin: germline. Affected: yes.
Comment: PS4_Moderate, PM2, PM5_Supporting, PP3

Labcorp Genetics (formerly Invitae), Labcorp
Classification: Uncertain significance. Last evaluated: 2022-08-07. Review status: criteria provided, single submitter. Criteria: Invitae Variant Classification Sherloc (09022015). Collection method: clinical testing. Allele origin: germline.
Comment: In summary, the available evidence is currently insufficient to determine the role of this variant in disease. Therefore, it has been classified as a Variant of Uncertain Significance. This variant disrupts the p.Gly296 amino acid residue in FRMD7. Other variant(s) that disrupt this residue have been determined to be pathogenic (PMID: 17893669, 25678693). This suggests that this residue is clinically significant, and that variants that disrupt this residue are likely to be disease-causing. Algorithms developed to predict the effect of missense changes on protein structure and function (SIFT, PolyPhen-2, Align-GVGD) all suggest that this variant is likely to be disruptive. This missense change has been observed in individual(s) with X-linked infantile nystagmus (PMID: 30015830). This variant is not present in population databases (gnomAD no frequency). This sequence change replaces glycine, which is neutral and non-polar, with cysteine, which is neutral and slightly polar, at codon 296 of the FRMD7 protein (p.Gly296Cys).

Literature cited by the submitters: PubMed 17893669 (cited by Labcorp Genetics (formerly Invitae), Labcorp); PubMed 25678693 (cited by Labcorp Genetics (formerly Invitae), Labcorp); PubMed 30015830 (cited by Labcorp Genetics (formerly Invitae), Labcorp).

NM_194277.3(FRMD7):c.886G>T (p.Gly296Cys)

Gene: FRMD7 (FERM domain containing 7; minus strand). Cytogenetic location: Xq26.2.
Variant type: single nucleotide variant.
Coding change: c.886G>T on transcript NM_194277.3 (MANE Select); coding-DNA position 886, G replaced by T.
Protein change: p.Gly296Cys; replaces glycine 296 with cysteine.
Molecular consequence: missense variant.
Genome position (GRCh38, 1-based): chrX:132,082,382, C>A on the plus strand (G>T on the coding strand, the complement: FRMD7 is on the minus strand). VCF-style: chrX-132082382-C-A. GRCh37 (hg19) VCF-style: chrX-131216410-C-A.
Other names: c.841G>T, p.Gly281Cys (NM_001306193.2); short protein forms G281C, G296C.
Identifiers: ClinVar variation 2152352 (VCV002152352.5), dbSNP rs1927846857, ClinGen allele CA414680346.